The following is an entry in ClinVar:

ClinVar aggregate classification (germline): Uncertain significance. Review status: criteria provided, multiple submitters, no conflicts (2 of 4 stars). 2 submissions from 2 submitters: Uncertain significance (2). Last evaluated 2022-07-23.

Conditions:
Inborn genetic diseases. Identifiers: MedGen C0950123, MeSH D030342.

Allele frequency attached by ClinVar (database versions not stated): TOPMed 0.00002.
gnomAD v4.1: 47 of 1,613,772 alleles (0.0029%); highest among the groups gnomAD compares: African/African-American, 0.004%; no homozygotes.

Submissions (2):

Labcorp Genetics (formerly Invitae), Labcorp
Classification: Uncertain significance. Last evaluated: 2022-07-23. Review status: criteria provided, single submitter. Criteria: Invitae Variant Classification Sherloc (09022015). Collection method: clinical testing. Allele origin: germline.
Comment: This sequence change replaces valine, which is neutral and non-polar, with isoleucine, which is neutral and non-polar, at codon 2910 of the PCLO protein (p.Val2910Ile). This variant is present in population databases (rs547500251, gnomAD 0.02%). This variant has not been reported in the literature in individuals affected with PCLO-related conditions. Algorithms developed to predict the effect of missense changes on protein structure and function are either unavailable or do not agree on the potential impact of this missense change (SIFT: "Deleterious"; PolyPhen-2: "Not Available"; Align-GVGD: "Class C0"). In summary, the available evidence is currently insufficient to determine the role of this variant in disease. Therefore, it has been classified as a Variant of Uncertain Significance.

Ambry Genetics
Classification: Uncertain significance for Inborn genetic diseases. Last evaluated: 2022-05-11. Review status: criteria provided, single submitter. Criteria: Ambry Variant Classification Scheme 2023. Collection method: clinical testing. Allele origin: germline.

NM_033026.6(PCLO):c.8728G>A (p.Val2910Ile)

Gene: PCLO (piccolo presynaptic cytomatrix protein; minus strand). Cytogenetic location: 7q21.11.
Variant type: single nucleotide variant.
Coding change: c.8728G>A on transcript NM_033026.6 (MANE Select); coding-DNA position 8728, G replaced by A.
Protein change: p.Val2910Ile; replaces valine 2910 with isoleucine.
Molecular consequence: missense variant.
Genome position (GRCh38, 1-based): chr7:82,952,225, C>T on the plus strand (G>A on the coding strand, the complement: PCLO is on the minus strand). VCF-style: chr7-82952225-C-T. GRCh37 (hg19) VCF-style: chr7-82581541-C-T.
Other names: c.8728G>A, p.Val2910Ile (NM_014510.3); short protein forms V2910I.
Identifiers: ClinVar variation 1988576 (VCV001988576.2), dbSNP rs547500251, ClinGen allele CA4320076.